The following is an entry in ClinVar:

NM_001349338.3(FOXP1):c.1653-18_1668dup

Gene: FOXP1 (forkhead box P1; minus strand). Cytogenetic location: 3p13.
Variant type: Duplication.
Coding change: c.1653-18_1668dup on transcript NM_001349338.3 (MANE Select); 18 bases into the intron before coding-DNA position 1653 through coding-DNA position 1668, 34 bases duplicated.
Molecular consequence: splice acceptor variant.
Genome position (GRCh38, 1-based): chr3:70,970,790-70,970,823, 34 bases duplicated; duplicating any 34 consecutive bases within chr3:70,970,790-70,970,825 gives the same sequence; the c. name uses the placement nearest the transcript's 3' end. GRCh37 (hg19): chr3:71,019,943-71,019,976.
Other names: c.1650-18_1665dup (NM_001349341.3, NM_001244808.3); c.1653-18_1668dup (NM_001244816.2, NM_001244814.3, NM_032682.6 and 1 more transcripts); c.1425-18_1440dup (NM_001244812.3); c.1350-18_1365dup (NM_001349343.3, NM_001349337.2, NM_001370548.1 and 1 more transcripts); c.1353-18_1368dup (NM_001349342.3, NM_001244815.2, NM_001244813.3); c.1701-18_1716dup (NM_001244810.2).
Identifiers: ClinVar variation 2770589 (VCV002770589.3), dbSNP rs2545012381, ClinGen allele CA2697556769.

ClinVar aggregate classification (germline): Uncertain significance (1 of 4 stars; one submission).

Submission:

Labcorp Genetics (formerly Invitae), Labcorp
Classification: Uncertain significance. Last evaluated: 2023-10-22. Review status: criteria provided, single submitter. Criteria: Invitae Variant Classification Sherloc (09022015). Collection method: clinical testing. Allele origin: germline.
Comment: This sequence change falls in intron 18 of the FOXP1 gene. It does not directly change the encoded amino acid sequence of the FOXP1 protein. This variant is not present in population databases (gnomAD no frequency). This variant has not been reported in the literature in individuals affected with FOXP1-related conditions. Experimental studies and prediction algorithms are not available or were not evaluated, and the effect of this variant on mRNA splicing is currently unknown. In summary, the available evidence is currently insufficient to determine the role of this variant in disease. Therefore, it has been classified as a Variant of Uncertain Significance.